The following is an entry in ClinVar:

ClinVar aggregate classification (germline): Uncertain significance (1 of 4 stars; one submission).

Conditions:
Inborn genetic diseases. Identifiers: MedGen C0950123, MeSH D030342.

Submission:

Ambry Genetics
Classification: Uncertain significance for Inborn genetic diseases. Last evaluated: 2025-04-17. Review status: criteria provided, single submitter. Criteria: Ambry Variant Classification Scheme 2023. Collection method: clinical testing. Allele origin: germline.
Comment: The p.S771F variant (also known as c.2312C>T), located in coding exon 1 of the SAMD9 gene, results from a C to T substitution at nucleotide position 2312. The serine at codon 771 is replaced by phenylalanine, an amino acid with highly dissimilar properties. This amino acid position is conserved. In addition, this alteration is predicted to be tolerated by in silico analysis. Based on the available evidence, the clinical significance of this variant remains unclear.

NM_017654.4(SAMD9):c.2312C>T (p.Ser771Phe)

Gene: SAMD9 (sterile alpha motif domain containing 9; minus strand). Cytogenetic location: 7q21.2.
Variant type: single nucleotide variant.
Coding change: c.2312C>T on transcript NM_017654.4 (MANE Select); coding-DNA position 2312, C replaced by T.
Protein change: p.Ser771Phe; replaces serine 771 with phenylalanine.
Molecular consequence: missense variant.
Genome position (GRCh38, 1-based): chr7:93,103,786, G>A on the plus strand (C>T on the coding strand, the complement: SAMD9 is on the minus strand). VCF-style: chr7-93103786-G-A. GRCh37 (hg19) VCF-style: chr7-92733099-G-A.
Other names: c.2312C>T, p.Ser771Phe (NM_001193307.2); short protein forms S771F.
Identifiers: ClinVar variation 3949551 (VCV003949551.1).